The following is an entry in ClinVar:

NM_053051.5(CNTROB):c.672C>T (p.Ala224=)

Gene: CNTROB (centrobin, centriole duplication and spindle assembly protein; plus strand). Cytogenetic location: 17p13.1.
Variant type: single nucleotide variant.
Coding change: c.672C>T on transcript NM_053051.5 (MANE Select); coding-DNA position 672, C replaced by T.
Protein change: p.Ala224=; no amino-acid change (alanine 224 retained).
Molecular consequence: synonymous variant.
Genome position (GRCh38, 1-based): chr17:7,936,443, C>T. VCF-style: chr17-7936443-C-T. GRCh37 (hg19) VCF-style: chr17-7839761-C-T.
Other names: c.672C>T, p.Ala224= (NM_001353206.2, NM_001353207.1, NM_001353208.2 and 5 more transcripts); c.114C>T, p.Ala38= (NM_001353204.2); c.405C>T, p.Ala135= (NM_001353205.2).
Identifiers: ClinVar variation 2647442 (VCV002647442.24), dbSNP rs142280568, ClinGen allele CA8364782.

ClinVar aggregate classification (germline): Likely benign (1 of 4 stars; one submission).

Allele frequency attached by ClinVar (database versions not stated): TOPMed below 0.00001; ExAC 0.00001; gnomAD 0.00001; gnomAD exomes 0.00001; ESP Exome Variant Server 0.00008.
gnomAD v4.1: 16 of 1,553,402 alleles (0.001%); highest among the groups gnomAD compares: African/African-American, 0.0014%; no homozygotes.

Submission:

CeGaT Center for Human Genetics Tuebingen
Classification: Likely benign. Last evaluated: 2022-11-01. Review status: criteria provided, single submitter. Criteria: CeGaT Center For Human Genetics Tuebingen Variant Classification Criteria Version 2. Collection method: clinical testing. Allele origin: germline. Affected: yes. Observed: 1 variant allele.
Comment: CNTROB: BP4, BP7